The following is an entry in ClinVar:

NM_005629.4(SLC6A8):c.1076TCT[1] (p.Phe360del)

Gene: SLC6A8 (solute carrier family 6 member 8; plus strand). Cytogenetic location: Xq28.
Variant type: Microsatellite.
Coding change: c.1076TCT[1] on transcript NM_005629.4 (MANE Select); one copy of the 3-base unit TCT starting at c.1076; the reference has two copies in a row; one copy, 3 bases deleted; also written c.1079_1081del.
Protein change: p.Phe360del; deletes phenylalanine 360.
Genome position (GRCh38, 1-based): chrX:153,693,524-153,693,526, TCT deleted; deleting any 3 consecutive bases within chrX:153,693,521-153,693,526 gives the same sequence; the position shown is the placement nearest the transcript's 3' end. VCF-style (leftmost placement, unchanged base first): chrX-153693520-GTCT-G. GRCh37 (hg19) VCF-style: chrX-152958975-GTCT-G.
Other names: NM_001142805.2:c.1049_1051del; c.1046TCT[1], p.Phe350del (NM_001142805.2); c.731TCT[1], p.Phe245del (NM_001142806.1); c.1079_1081del (NM_005629.4); short protein forms F245del, F350del, F360del.
Identifiers: ClinVar variation 2683736 (VCV002683736.5), dbSNP rs2522163590, ClinGen allele CA2579916788.
Genomic context (GRCh38, chrX:153,693,520, plus strand): 5'-AGGGACGCCATCATCCTGGCTCTCATCAACAGTGGGACCAGCTTCTTTGCTGGCTTCGTG[GTCT>G]TCTCCATCCTGGGCTTCATGGCTGCAGAGCAGGGCGTGCACATCTCCAAGGTGGCAGAGT-3'

ClinVar aggregate classification (germline): Likely pathogenic. Review status: reviewed by expert panel (3 of 4 stars). 3 submissions from 3 submitters: Likely pathogenic (1). 2 of the submissions do not count toward it. Last evaluated 2026-04-27.

Conditions:
SLC6A8-related disorder. Also called: SLC6A8-related condition.
Creatine transporter deficiency (CCDS1). Also called: CEREBRAL CREATINE DEFICIENCY SYNDROME 1; Mental retardation , X-linked with seizures, short stature and midface hypoplasia; Mental retardation , X-linked, with creatine transport deficiency; X-linked creatine transporter deficiency; X-linked creatine deficiency syndrome; SLC6A8-Related Creatine Transporter Deficiency. Identifiers: Orphanet 52503, MedGen C1845862, MONDO:0010305, OMIM 300352.

Submissions (3):

ClinGen Cerebral Creatine Deficiency Syndromes Variant Curation Expert Panel, ClinGen
Classification: Likely pathogenic for Creatine transporter deficiency. Last evaluated: 2026-04-27. Review status: reviewed by expert panel. Criteria: ClinGen_CCDS_ACMG_Specifications_SLC6A8_v1.1. Collection method: curation. Allele origin: germline. Inheritance: X-linked inheritance.
Comment: The NM_005629.4(SLC6A8):c.1079_1081del variant in SLC6A8 is a deletion of three nucleotides within exon 7/13 and is predicted to lead to the in frame deletion of a single amino acid, p.(Phe360del). This variant is absent from gnomAD v4.1.0 (PM2_Supporting). It is predicted to cause a change in the length of the protein (p.Phe360del) due to an in-frame deletion of 1 amino acid in a non-repeat region (PM4). The variant was identified in two siblings with profound intellectual disability, epilepsy, severe speech delay, and one of two siblings with microcephaly [PMID:20049533]. This variant was identified in two brothers with profound intellectual disability, epilepsy, severe speech delay, and one of two siblings with microcephaly (PMID: 19706062, 20049533; these PMIDs appear to report the same patients). These individuals were both found to have reduced creatine peak on H-MRS, and elevated creatine/creatinine levels in urine, 3.0 in sib 1 and 2.6 in sib 2 (PMID: 19706062, 20049533); one sib also had reduced creatine uptake in fibroblasts (PMID: 19706062) (PP4_Strong). In summary, the NM_005629.4(SLC6A8):c.1079_1081del, p.(Phe360del) variant meets the criteria to be classified as a Likely Pathogenic for Creatine Transporter Deficiency based on the SLC6A8 ACMG/AMP criteria applied, as specified by the ClinGen Cerebral Creatine Deficiency Syndromes Variant Curation Expert Panel (Specifications Version 1.1.0): PM2_Supporting, PM4, PP4_Strong. (Classification approved by the ClinGen CCDS VCEP on April 27, 2026).

Human Genetics Bochum, Ruhr University Bochum
Classification: Likely pathogenic for Creatine transporter deficiency. Last evaluated: 2025-01-29. Review status: criteria provided, single submitter. Criteria: ACMG Guidelines, 2015. Collection method: clinical testing. Allele origin: germline. Affected: yes. Not counted in ClinVar's aggregate classification.
Comment: ACMG criteria used to clasify this variant: PM4, PM1_SUP, PM2_SUP, PP1, PP4

PreventionGenetics, part of Exact Sciences
Classification: Uncertain significance for SLC6A8-related condition. Last evaluated: 2023-12-20. Review status: no assertion criteria provided. Collection method: clinical testing. Allele origin: germline. Not counted in ClinVar's aggregate classification.
Comment: The SLC6A8 c.1079_1081delTCT variant is predicted to result in an in-frame deletion (p.Phe360del). This variant was reported in two brothers with creatine transporter deficiency presenting with severe intellectual disability, speech delay, autism and epilepsy (Table 1, Fons et al. 2009. PubMed ID: 19706062; Table1 & 2, Alcaide et al. 2011. PubMed ID: 21140503). This variant has not been reported in a large population database, indicating this variant is rare. Although we suspect that this variant may be pathogenic, at this time, the clinical significance of this variant is uncertain due to the absence of conclusive functional and genetic evidence.

Literature cited by the submitters: PubMed 19319661 (cited by Human Genetics Bochum, Ruhr University Bochum).